The following is an entry in ClinVar:

NM_018474.6(KIZ):c.345G>A (p.Met115Ile)

Gene: KIZ (kizuna centrosomal protein; plus strand). Cytogenetic location: 20p11.23.
Variant type: single nucleotide variant.
Coding change: c.345G>A on transcript NM_018474.6 (MANE Select); coding-DNA position 345, G replaced by A.
Protein change: p.Met115Ile; replaces methionine 115 with isoleucine.
Molecular consequence: missense variant. On other transcripts: initiator codon variant (1), intron variant (1).
Genome position (GRCh38, 1-based): chr20:21,145,594, G>A. VCF-style: chr20-21145594-G-A. GRCh37 (hg19) VCF-style: chr20-21126235-G-A.
Other names: c.345G>A (NM_018474.4); c.36G>A, p.Met12Ile (NM_001163022.3, NM_001352435.2); c.198G>A, p.Met66Ile (NM_001276389.2); c.345G>A, p.Met115Ile (NM_001352434.2); c.3G>A, p.Met1Ile (NM_001352436.2); c.6+13435G>A (NM_001163023.3); short protein forms M115I, M12I, M1I, M66I.
Identifiers: ClinVar variation 1351981 (VCV001351981.7), dbSNP rs1244622541, ClinGen allele CA408488770.

ClinVar aggregate classification (germline): Uncertain significance. Review status: criteria provided, multiple submitters, no conflicts (2 of 4 stars). 2 submissions from 2 submitters: Uncertain significance (2). Last evaluated 2025-08-27.

Allele frequency attached by ClinVar (database versions not stated): gnomAD exomes below 0.00001; TOPMed below 0.00001; gnomAD 0.00001.

Submissions (2):

Ambry Genetics
Classification: Uncertain significance. Last evaluated: 2025-08-27. Review status: criteria provided, single submitter. Criteria: Ambry Variant Classification Scheme 2023. Collection method: clinical testing. Allele origin: germline.

Labcorp Genetics (formerly Invitae), Labcorp
Classification: Uncertain significance. Last evaluated: 2022-07-19. Review status: criteria provided, single submitter. Criteria: Invitae Variant Classification Sherloc (09022015). Collection method: clinical testing. Allele origin: germline.
Comment: In summary, the available evidence is currently insufficient to determine the role of this variant in disease. Therefore, it has been classified as a Variant of Uncertain Significance. Experimental studies and prediction algorithms are not available or were not evaluated, and the functional significance of this variant is currently unknown. ClinVar contains an entry for this variant (Variation ID: 1351981). This variant has not been reported in the literature in individuals affected with KIZ-related conditions. This variant is not present in population databases (gnomAD no frequency). This sequence change replaces methionine, which is neutral and non-polar, with isoleucine, which is neutral and non-polar, at codon 115 of the KIZ protein (p.Met115Ile).